The following is an entry in ClinVar:

ClinVar aggregate classification (germline): Uncertain significance (1 of 4 stars; one submission).

Submission:

Labcorp Genetics (formerly Invitae), Labcorp
Classification: Uncertain significance. Last evaluated: 2020-03-24. Review status: criteria provided, single submitter. Criteria: Invitae Variant Classification Sherloc (09022015). Collection method: clinical testing. Allele origin: germline.
Comment: This variant results in a copy number gain of the genomic region encompassing exons 18-21 of the PUM1 gene. While the exact position of this variant cannot be determined from this data, sub-genic copy number gains are generally in tandem (PMID: 25640679). This variant would be expected to be in-frame, preserving the integrity of the reading frame. This variant has not been reported in the literature in individuals with PUM1-related conditions. In summary, the available evidence is currently insufficient to determine the role of this variant in disease. Therefore, it has been classified as a Variant of Uncertain Significance.

Literature cited by the submitters: PubMed 25640679.

NC_000001.10:g.(?_31409490)_(31418330_?)dup

Gene: PUM1 (pumilio RNA binding family member 1; minus strand). Cytogenetic location: 1p35.2.
Variant type: Duplication.
Identifiers: ClinVar variation 1014733 (VCV001014733.2).